The following is an entry in ClinVar:

NM_001371986.1(UNC80):c.4124G>T (p.Cys1375Phe)

Gene: UNC80 (unc-80 subunit of NALCN channel complex; plus strand). Cytogenetic location: 2q34.
Variant type: single nucleotide variant.
Coding change: c.4124G>T on transcript NM_001371986.1 (MANE Select); coding-DNA position 4124, G replaced by T.
Protein change: p.Cys1375Phe; replaces cysteine 1375 with phenylalanine.
Molecular consequence: missense variant.
Genome position (GRCh38, 1-based): chr2:209,888,108, G>T. VCF-style: chr2-209888108-G-T. GRCh37 (hg19) VCF-style: chr2-210752832-G-T.
Other names: c.4130G>T, p.Cys1377Phe (NM_032504.2); c.4115G>T, p.Cys1372Phe (NM_182587.4); short protein forms C1377F, C1375F, C1372F.
Identifiers: ClinVar variation 1497682 (VCV001497682.6), dbSNP rs1444046937, ClinGen allele CA350749458.

ClinVar aggregate classification (germline): Uncertain significance (1 of 4 stars; one submission).

Allele frequency attached by ClinVar (database versions not stated): gnomAD exomes below 0.00001 and 0.00001.
gnomAD v4.1: 1 of 1,551,662 alleles (0.000064%); highest among the groups gnomAD compares: Admixed American, 0.002%; no homozygotes.

Submission:

Labcorp Genetics (formerly Invitae), Labcorp
Classification: Uncertain significance. Last evaluated: 2022-07-04. Review status: criteria provided, single submitter. Criteria: Invitae Variant Classification Sherloc (09022015). Collection method: clinical testing. Allele origin: germline.
Comment: In summary, the available evidence is currently insufficient to determine the role of this variant in disease. Therefore, it has been classified as a Variant of Uncertain Significance. Algorithms developed to predict the effect of missense changes on protein structure and function are either unavailable or do not agree on the potential impact of this missense change (SIFT: "Not Available"; PolyPhen-2: "Benign"; Align-GVGD: "Not Available"). ClinVar contains an entry for this variant (Variation ID: 1497682). This variant has not been reported in the literature in individuals affected with UNC80-related conditions. This variant is present in population databases (no rsID available, gnomAD 0.004%). This sequence change replaces cysteine, which is neutral and slightly polar, with phenylalanine, which is neutral and non-polar, at codon 1377 of the UNC80 protein (p.Cys1377Phe).